The following is an entry in ClinVar:

ClinVar aggregate classification (germline): Pathogenic/Likely pathogenic. Review status: criteria provided, multiple submitters, no conflicts (2 of 4 stars). 2 submissions from 2 submitters: Pathogenic (1); Likely pathogenic (1). Last evaluated 2022-06-04.

Conditions:
COL18A1-related disorder. Also called: COL18A1-related condition; COL18A1-related disorders.

Submissions (2):

Labcorp Genetics (formerly Invitae), Labcorp
Classification: Pathogenic. Last evaluated: 2022-06-04. Review status: criteria provided, single submitter. Criteria: Invitae Variant Classification Sherloc (09022015). Collection method: clinical testing. Allele origin: germline.
Comment: This sequence change creates a premature translational stop signal (p.Pro314Leufs*20) in the COL18A1 gene. It is expected to result in an absent or disrupted protein product. Loss-of-function variants in COL18A1 are known to be pathogenic (PMID: 12415512, 25456301). For these reasons, this variant has been classified as Pathogenic. This variant has not been reported in the literature in individuals affected with COL18A1-related conditions. This variant is not present in population databases (gnomAD no frequency).

Blueprint Genetics
Classification: Likely pathogenic for COL18A1-related disorders. Last evaluated: 2021-12-22. Review status: criteria provided, single submitter. Criteria: ACMG Guidelines, 2015. Collection method: clinical testing. Allele origin: germline. Affected: yes. Observed: 1 variant allele.

Literature cited by the submitters: PubMed 12415512 (cited by Labcorp Genetics (formerly Invitae), Labcorp); PubMed 25456301 (cited by Labcorp Genetics (formerly Invitae), Labcorp).

NM_001379500.1(COL18A1):c.941del (p.Pro314fs)

Gene: COL18A1 (collagen type XVIII alpha 1 chain; plus strand). Cytogenetic location: 21q22.3.
Variant type: Deletion.
Coding change: c.941del on transcript NM_001379500.1 (MANE Select); coding-DNA position 941, one base deleted (C; older notation c.941delC).
Protein change: p.Pro314fs; shifts the reading frame from proline 314.
Molecular consequence: frameshift variant.
Genome position (GRCh38, 1-based): chr21:45,477,423, C deleted; the last of 2 consecutive C bases (chr21:45,477,422-45,477,423); deleting either gives the same sequence. VCF-style (leftmost placement, unchanged base first): chr21-45477421-TC-T. GRCh37 (hg19) VCF-style: chr21-46897335-TC-T.
Other names: c.1481del, p.Pro494fs (NM_030582.4); c.2186del, p.Pro729fs (NM_130444.3); short protein forms P314fs, P494fs, P729fs.
Identifiers: ClinVar variation 1935508 (VCV001935508.6), dbSNP rs2517605174, ClinGen allele CA2580098879.
Genomic context (GRCh38, chr21:45,477,421, plus strand): 5'-TGGGGCCACCCGGGGGGCGTGACCGTGGCCACCTCTGCTTCTCTTCCCAGCTCAGACACT[TC>T]CTGGCTCAGATTCTGTCTCCACGTGGGACGGGAGTGTCCGGACCCCTGGGGGCCGCGTGA-3'